The following is an entry in ClinVar:

ClinVar aggregate classification (germline): Likely benign (1 of 4 stars; one submission).

Allele frequency attached by ClinVar (database versions not stated): 1000 Genomes Project 0.00040.

Submission:

CeGaT Center for Human Genetics Tuebingen
Classification: Likely benign. Last evaluated: 2024-12-01. Review status: criteria provided, single submitter. Criteria: CeGaT Center For Human Genetics Tuebingen Variant Classification Criteria Version 2. Collection method: clinical testing. Allele origin: germline. Affected: yes. Observed: 2 variant alleles.
Comment: NEFH: BP4, BP7

NM_021076.4(NEFH):c.2148A>C (p.Ala716=)

Gene: NEFH (neurofilament heavy chain; plus strand). Cytogenetic location: 22q12.2.
Variant type: single nucleotide variant.
Coding change: c.2148A>C on transcript NM_021076.4 (MANE Select); coding-DNA position 2148, A replaced by C.
Protein change: p.Ala716=; no amino-acid change (alanine 716 retained).
Molecular consequence: synonymous variant.
Genome position (GRCh38, 1-based): chr22:29,489,788, A>C. VCF-style: chr22-29489788-A-C. GRCh37 (hg19) VCF-style: chr22-29885777-A-C.
Identifiers: ClinVar variation 3024568 (VCV003024568.22), dbSNP rs531060059, ClinGen allele CA323088568.
Genomic context (GRCh38, chr22:29,489,788, plus strand): 5'-CCCAGTGAAGGAAGAAGCAAAGTCCCCTGAGAAGGCCAAGTCCCCAGTGAAGGAAGAAGC[A>C]AAGTCCCCTGAGAAGGCCAAGTCCCCAGTGAAGGAAGAAGCAAAGACCCCCGAGAAGGCC-3'
Protein context (NP_066554.2, residues 706-726): EKAKSPVKEE[Ala716=]KSPEKAKSPV